The following is an entry in ClinVar:

ClinVar aggregate classification (germline): Uncertain significance. Review status: criteria provided, multiple submitters, no conflicts (2 of 4 stars). 2 submissions from 2 submitters: Uncertain significance (2). Last evaluated 2025-08-07.

Conditions:
Inborn genetic diseases. Identifiers: MedGen C0950123, MeSH D030342.

gnomAD v4.1: 28 of 1,591,534 alleles (0.0018%); highest among the groups gnomAD compares: Non-Finnish European, 0.0021%; no homozygotes.

Submissions (2):

Ambry Genetics
Classification: Uncertain significance for Inborn genetic diseases. Last evaluated: 2025-08-07. Review status: criteria provided, single submitter. Criteria: Ambry Variant Classification Scheme 2023. Collection method: clinical testing. Allele origin: germline.

Labcorp Genetics (formerly Invitae), Labcorp
Classification: Uncertain significance. Last evaluated: 2025-03-12. Review status: criteria provided, single submitter. Criteria: Invitae Variant Classification Sherloc (09022015). Collection method: clinical testing. Allele origin: germline.
Comment: This sequence change replaces threonine, which is neutral and polar, with alanine, which is neutral and non-polar, at codon 416 of the CEP135 protein (p.Thr416Ala). This variant is not present in population databases (gnomAD no frequency). This variant has not been reported in the literature in individuals affected with CEP135-related conditions. An algorithm developed to predict the effect of missense changes on protein structure and function (PolyPhen-2) suggests that this variant is likely to be tolerated. In summary, the available evidence is currently insufficient to determine the role of this variant in disease. Therefore, it has been classified as a Variant of Uncertain Significance.

NM_025009.5(CEP135):c.1246A>G (p.Thr416Ala)

Gene: CEP135 (centrosomal protein 135; plus strand). Cytogenetic location: 4q12.
Variant type: single nucleotide variant.
Coding change: c.1246A>G on transcript NM_025009.5 (MANE Select); coding-DNA position 1246, A replaced by G.
Protein change: p.Thr416Ala; replaces threonine 416 with alanine.
Molecular consequence: missense variant.
Genome position (GRCh38, 1-based): chr4:55,971,405, A>G. VCF-style: chr4-55971405-A-G. GRCh37 (hg19) VCF-style: chr4-56837571-A-G.
Other names: short protein forms T416A.
Identifiers: ClinVar variation 4225914 (VCV004225914.2).